The following is an entry in ClinVar:

ClinVar aggregate classification (germline): Pathogenic (1 of 4 stars; one submission).

gnomAD v4.1: 2 of 1,614,086 alleles (0.00012%); highest among the groups gnomAD compares: African/African-American, 0.0027%; no homozygotes.

Submission:

Labcorp Genetics (formerly Invitae), Labcorp
Classification: Pathogenic. Last evaluated: 2024-07-19. Review status: criteria provided, single submitter. Criteria: Invitae Variant Classification Sherloc (09022015). Collection method: clinical testing. Allele origin: germline.
Comment: This sequence change creates a premature translational stop signal (p.Trp1538*) in the CUL7 gene. It is expected to result in an absent or disrupted protein product. Loss-of-function variants in CUL7 are known to be pathogenic (PMID: 16142236, 17675530, 19225462). This variant is not present in population databases (gnomAD no frequency). This variant has not been reported in the literature in individuals affected with CUL7-related conditions. For these reasons, this variant has been classified as Pathogenic.

Literature cited by the submitters: PubMed 16142236; PubMed 17675530; PubMed 19225462.

NM_014780.5(CUL7):c.4613G>A (p.Trp1538Ter)

Gene: CUL7 (cullin 7; minus strand). Cytogenetic location: 6p21.1.
Variant type: single nucleotide variant.
Coding change: c.4613G>A on transcript NM_014780.5 (MANE Select); coding-DNA position 4613, G replaced by A.
Protein change: p.Trp1538Ter; replaces tryptophan 1538 with a stop codon.
Molecular consequence: nonsense.
Genome position (GRCh38, 1-based): chr6:43,038,427, C>T on the plus strand (G>A on the coding strand, the complement: CUL7 is on the minus strand). VCF-style: chr6-43038427-C-T. GRCh37 (hg19) VCF-style: chr6-43006165-C-T.
Other names: c.4709G>A, p.Trp1570Ter (NM_001168370.2, NM_001374872.1); c.4625G>A, p.Trp1542Ter (NM_001374873.1); c.4610G>A, p.Trp1537Ter (NM_001374874.1); short protein forms W1542*, W1538*, W1537*, W1570*.
Identifiers: ClinVar variation 3659964 (VCV003659964.2).